The following is an entry in ClinVar:

NM_000531.6(OTC):c.695_706del (p.Leu232_Gln235del)

Gene: OTC (ornithine transcarbamylase; plus strand). Cytogenetic location: Xp11.4.
Variant type: Deletion.
Coding change: c.695_706del on transcript NM_000531.6 (MANE Select); coding-DNA positions 695 to 706, 12 bases deleted (TGGCAGAGCAGT).
Protein change: p.Leu232_Gln235del.
Molecular consequence: inframe deletion.
Genome position (GRCh38, 1-based): chrX:38,408,773-38,408,784, TGGCAGAGCAGT deleted; deleting any 12 consecutive bases within chrX:38,408,770-38,408,784 gives the same sequence; the c. name uses the placement nearest the transcript's 3' end. VCF-style (leftmost placement, unchanged base first): chrX-38408769-AAGTTGGCAGAGC-A. GRCh37 (hg19) VCF-style: chrX-38268022-AAGTTGGCAGAGC-A.
Other names: c.695_706del, p.Leu232_Gln235del (NM_001407092.1).
Identifiers: ClinVar variation 2636383 (VCV002636383.1), dbSNP rs2519978873, ClinGen allele CA2695200174.
Genomic context (GRCh38, chrX:38,408,769, plus strand): 5'-ACCTAAATAAGATTTAAATTCTTCCTCCTTTAGGGTTATGAGCCGGATGCTAGTGTAACC[AAGTTGGCAGAGC>A]AGTATGCCAAAGAGGTATGCTCTTTACATGTAAAGCTATTATTGCCTTTTACTGTCCCAT-3'

ClinVar aggregate classification (germline): Uncertain significance (1 of 4 stars; one submission).

Conditions:
OTC-related disorder. Also called: OTC-related condition.

Submission:

PreventionGenetics, part of Exact Sciences
Classification: Uncertain significance for OTC-related condition. Last evaluated: 2022-08-26. Review status: criteria provided, single submitter. Criteria: ACMG Guidelines, 2015. Collection method: clinical testing. Allele origin: germline.
Comment: The OTC c.695_706del12 variant is predicted to result in an in-frame deletion (p.Leu232_Gln235del). To our knowledge, this variant has not been reported in the literature or in a large population database, indicating this variant is rare. Although we suspect that this variant may be pathogenic, at this time, the clinical significance of this variant is uncertain due to the absence of conclusive functional and genetic evidence.